The following is an entry in ClinVar:

NM_007215.4(POLG2):c.39C>G (p.Val13=)

Genes: POLG2 (DNA polymerase gamma 2, accessory subunit; minus strand), MILR1 (mast cell immunoglobulin like receptor 1; plus strand). Cytogenetic location: 17q23.3.
Variant type: single nucleotide variant.
Coding change: c.39C>G on transcript NM_007215.4 (MANE Select); coding-DNA position 39, C replaced by G.
Protein change: p.Val13=; no amino-acid change (valine 13 retained).
Molecular consequence: synonymous variant.
Genome position (GRCh38, 1-based): chr17:64,496,930, G>C on the plus strand (C>G on the coding strand, the complement: POLG2 is on the minus strand). VCF-style: chr17-64496930-G-C. GRCh37 (hg19) VCF-style: chr17-62493048-G-C.
Identifiers: ClinVar variation 432301 (VCV000432301.31), dbSNP rs969072131, ClinGen allele CA501687144.
Genomic context (GRCh38, chr17:64,496,930, plus strand): 5'-CAACAGCTCCGGCTGCCCCGCATCTACTCGACCCCCAAACCCAGACAACAGGCACCTGCA[G>C]ACCTTATGGCAGGCCCTGACGGCTACACGAGAGCGCATCTCTCTCCGAAGTTAAAGAGCA-3'
Protein context (NP_009146.2, residues 3-23): SRVAVRACHK[Val13=]CRCLLSGFGG

ClinVar aggregate classification (germline): Conflicting classifications of pathogenicity. Review status: criteria provided, conflicting classifications (1 of 4 stars). 3 submissions from 3 submitters: Uncertain significance (1); Likely benign (2). Last evaluated 2023-07-01.

gnomAD v4.1: 8 of 1,611,180 alleles (0.0005%); highest among the groups gnomAD compares: Non-Finnish European, 0.00068%; no homozygotes.

Submissions (3):

CeGaT Center for Human Genetics Tuebingen
Classification: Likely benign. Last evaluated: 2023-07-01. Review status: criteria provided, single submitter. Criteria: CeGaT Center For Human Genetics Tuebingen Variant Classification Criteria Version 2. Collection method: clinical testing. Allele origin: germline. Affected: yes. Observed: 1 variant allele.
Comment: POLG2: BP4, BP7

Labcorp Genetics (formerly Invitae), Labcorp
Classification: Likely benign. Last evaluated: 2022-03-21. Review status: criteria provided, single submitter. Criteria: Invitae Variant Classification Sherloc (09022015). Collection method: clinical testing. Allele origin: germline.

GeneDx
Classification: Uncertain significance. Last evaluated: 2019-07-03. Review status: criteria provided, single submitter. Criteria: GeneDx Variant Classification Process June 2021. Collection method: clinical testing. Allele origin: germline. Affected: yes.
Comment: Not observed at a significant frequency in large population cohorts (Lek et al., 2016); In silico analysis, which includes splice predictors and evolutionary conservation, supports a deleterious effect; Has not been previously published as pathogenic or benign to our knowledge